The following is an entry in ClinVar:

ClinVar aggregate classification (germline): Pathogenic (1 of 4 stars; one submission).

Conditions:
Ellis-van Creveld syndrome (EVC). Also called: MESOECTODERMAL DYSPLASIA; Chondroectodermal dysplasia. Identifiers: Orphanet 289, MedGen C0013903, MONDO:0009162, OMIM 225500.

Submission:

Myriad Genetics, Inc.
Classification: Pathogenic for Ellis-van Creveld syndrome. Last evaluated: 2024-04-01. Review status: criteria provided, single submitter. Criteria: Myriad Autosomal Dominant, Autosomal Recessive and X-Linked Classification Criteria (2023). Collection method: clinical testing. Allele origin: unknown.
Comment: NM_153717.2(EVC):c.353_354delAA(K118Sfs*23) is expected to be pathogenic in the context of EVC-related Ellis-van Creveld syndrome. This variant is predicted to lead to an abnormal or absent protein product due to the creation of a premature termination codon in EVC, a gene where loss-of-function variants are known to be pathogenic. Please note: this variant was assessed in the context of healthy population screening.

NM_153717.3(EVC):c.353_354del (p.Lys118fs)

Gene: EVC (EvC ciliary complex subunit 1; plus strand). Cytogenetic location: 4p16.2.
Variant type: Deletion.
Coding change: c.353_354del on transcript NM_153717.3 (MANE Select); coding-DNA positions 353 to 354, 2 bases deleted (AA; older notation c.353_354delAA).
Protein change: p.Lys118fs; shifts the reading frame from lysine 118.
Molecular consequence: frameshift variant.
Genome position (GRCh38, 1-based): chr4:5,729,359-5,729,360, AA deleted; deleting any 2 consecutive bases within chr4:5,729,358-5,729,360 gives the same sequence; the c. name uses the placement nearest the transcript's 3' end. VCF-style (leftmost placement, unchanged base first): chr4-5729357-CAA-C. GRCh37 (hg19) VCF-style: chr4-5731084-CAA-C.
Other names: c.353_354del, p.Lys118fs (NM_001306090.2, NM_001306092.2); short protein forms K118fs.
Identifiers: ClinVar variation 5012883 (VCV005012883.1).